The following is an entry in ClinVar:

NM_004260.4(RECQL4):c.570G>C (p.Trp190Cys)

Gene: RECQL4 (RecQ like helicase 4; minus strand). Cytogenetic location: 8q24.3.
Variant type: single nucleotide variant.
Coding change: c.570G>C on transcript NM_004260.4 (MANE Select); coding-DNA position 570, G replaced by C.
Protein change: p.Trp190Cys; replaces tryptophan 190 with cysteine.
Molecular consequence: missense variant. On other transcripts: 5 prime UTR variant (15), non-coding transcript variant (3), intron variant (3).
Genome position (GRCh38, 1-based): chr8:144,516,549, C>G on the plus strand (G>C on the coding strand, the complement: RECQL4 is on the minus strand). VCF-style: chr8-144516549-C-G. GRCh37 (hg19) VCF-style: chr8-145741933-C-G.
Other names: c.570G>C, p.Trp190Cys (NM_001413020.1, NM_001413033.1, NM_001413036.1 and 4 more transcripts); c.-502G>C (NM_001413022.1, NM_001413023.1, NM_001413024.1 and 5 more transcripts); c.441G>C, p.Trp147Cys (NM_001413025.1); c.-564G>C (NM_001413027.1, NM_001413030.1, NM_001413031.1 and 2 more transcripts); c.-406G>C (NM_001413034.1); c.-771G>C (NM_001413043.1); c.355-136G>C (NM_001413029.1); c.-366-136G>C (NM_001413021.1, NM_001413028.1); short protein forms W190C, W147C.
Identifiers: ClinVar variation 4628942 (VCV004628942.1).

ClinVar aggregate classification (germline): Uncertain significance (1 of 4 stars; one submission).

Conditions:
Inborn genetic diseases. Identifiers: MedGen C0950123, MeSH D030342.

Submission:

Ambry Genetics
Classification: Uncertain significance for Inborn genetic diseases. Last evaluated: 2025-10-07. Review status: criteria provided, single submitter. Criteria: Ambry Variant Classification Scheme 2023. Collection method: clinical testing. Allele origin: germline.
Comment: The p.W190C variant (also known as c.570G>C), located in coding exon 5 of the RECQL4 gene, results from a G to C substitution at nucleotide position 570. The tryptophan at codon 190 is replaced by cysteine, an amino acid with highly dissimilar properties. This amino acid position is conserved. In addition, the in silico prediction for this alteration is inconclusive. Based on the available evidence, the clinical significance of this variant remains unclear.